The following is an entry in ClinVar:

ClinVar aggregate classification (germline): Uncertain significance (1 of 4 stars; one submission).

Conditions:
RASA1-related disorder. Also called: RASA1-related condition.

Submission:

PreventionGenetics, part of Exact Sciences
Classification: Uncertain significance for RASA1-related condition. Last evaluated: 2023-05-16. Review status: criteria provided, single submitter. Criteria: ACMG Guidelines, 2015. Collection method: clinical testing. Allele origin: germline.
Comment: The RASA1 c.2855A>C variant is predicted to result in the amino acid substitution p.Tyr952Ser. To our knowledge, this variant has not been reported in the literature or in a large population database, indicating this variant is rare. At this time, the clinical significance of this variant is uncertain due to the absence of conclusive functional and genetic evidence.

NM_002890.3(RASA1):c.2855A>C (p.Tyr952Ser)

Genes: CCNH (cyclin H; minus strand), RASA1 (RAS p21 protein activator 1; plus strand). Cytogenetic location: 5q14.3.
Variant type: single nucleotide variant.
Coding change: c.2855A>C on transcript NM_002890.3 (MANE Select); coding-DNA position 2855, A replaced by C.
Protein change: p.Tyr952Ser; replaces tyrosine 952 with serine.
Molecular consequence: missense variant. On other transcripts: intron variant (1).
Genome position (GRCh38, 1-based): chr5:87,386,833, A>C. VCF-style: chr5-87386833-A-C. GRCh37 (hg19) VCF-style: chr5-86682650-A-C.
Other names: c.2324A>C, p.Tyr775Ser (NM_022650.3); c.933+8211T>G (NM_001364075.2); short protein forms Y775S, Y952S.
Identifiers: ClinVar variation 2632301 (VCV002632301.1), dbSNP rs2531385584, ClinGen allele CA360386878.